The following is an entry in ClinVar:

NM_001436401.1(NOBOX):c.994C>T (p.Arg332Ter)

Gene: NOBOX (NOBOX oogenesis homeobox; minus strand). Cytogenetic location: 7q35.
Variant type: single nucleotide variant.
Coding change: c.994C>T on transcript NM_001436401.1 (MANE Select); coding-DNA position 994, C replaced by T.
Protein change: p.Arg332Ter; replaces arginine 332 with a stop codon.
Molecular consequence: nonsense.
Genome position (GRCh38, 1-based): chr7:144,399,074, G>A on the plus strand (C>T on the coding strand, the complement: NOBOX is on the minus strand). VCF-style: chr7-144399074-G-A. GRCh37 (hg19) VCF-style: chr7-144096167-G-A.
Other names: NM_001080413.3:c.1345C>T; c.442C>T, p.Arg148Ter (NM_001436402.1); short protein forms R148*, R332*.
Identifiers: ClinVar variation 4987819 (VCV004987819.1).

ClinVar aggregate classification (germline): Pathogenic (1 of 4 stars; one submission).

Conditions:
NOBOX-related disorder. Also called: NOBOX-related condition.

gnomAD v4.1: 20 of 1,245,966 alleles (0.0016%); highest among the groups gnomAD compares: South Asian, 0.016%; no homozygotes.

Submission:

PreventionGenetics, part of Exact Sciences
Classification: Pathogenic for NOBOX-related condition. Last evaluated: 2025-06-13. Review status: criteria provided, single submitter. Criteria: ACMG Guidelines, 2015. Collection method: clinical testing. Allele origin: germline.
Comment: The NOBOX c.1345C>T variant is predicted to result in premature protein termination (p.Arg449*). This variant has been reported in an individual with premature ovarian insufficiency (Ferrari et al. 2016. PubMed ID: 27798098). Functional studies using HEK293 cells have shown the p.Arg449* variant results in truncated protein and impairs transcriptional activities (Ferrari et al. 2016. PubMed ID: 27798098). This variant is reported in 0.010% of alleles in individuals of South Asian descent in gnomAD. Nonsense variants in NOBOX are expected to be pathogenic. This variant is interpreted as pathogenic.